The following is an entry in ClinVar:

NM_000154.2(GALK1):c.793+1G>T

Gene: GALK1 (galactokinase 1; minus strand). Cytogenetic location: 17q25.1.
Variant type: single nucleotide variant.
Coding change: c.793+1G>T on transcript NM_000154.2 (MANE Select); the canonical splice donor site of the intron after coding-DNA position 793, G replaced by T.
Molecular consequence: splice donor variant.
Genome position (GRCh38, 1-based): chr17:75,762,703, C>A on the plus strand (G>T on the coding strand, the complement: GALK1 is on the minus strand). VCF-style: chr17-75762703-C-A. GRCh37 (hg19) VCF-style: chr17-73758784-C-A.
Other names: c.793+1G>T (NM_001381985.1, NM_000154.1).
Identifiers: ClinVar variation 1470566 (VCV001470566.9), dbSNP rs767790909, ClinGen allele CA8770832.

ClinVar aggregate classification (germline): Pathogenic/Likely pathogenic. Review status: criteria provided, multiple submitters, no conflicts (2 of 4 stars). 3 submissions from 3 submitters: Pathogenic (1); Likely pathogenic (2). Last evaluated 2025-09-15.

Conditions:
Deficiency of galactokinase. Also called: GALACTOSEMIA II; Galactokinase deficiency with cataracts. Identifiers: Orphanet 352, Orphanet 79237, MedGen C0268155, MONDO:0009255, OMIM 230200.

Allele frequency attached by ClinVar (database versions not stated): gnomAD exomes below 0.00001; TOPMed below 0.00001; ExAC 0.00001; gnomAD 0.00001.
gnomAD v4.1: 6 of 1,613,594 alleles (0.00037%); highest among the groups gnomAD compares: South Asian, 0.0011%; no homozygotes.

Submissions (3):

Labcorp Genetics (formerly Invitae), Labcorp
Classification: Pathogenic for Deficiency of galactokinase. Last evaluated: 2025-09-15. Review status: criteria provided, single submitter. Criteria: Invitae Variant Classification Sherloc (09022015). Collection method: clinical testing. Allele origin: germline.
Comment: This sequence change affects a donor splice site in intron 5 of the GALK1 gene. It is expected to disrupt RNA splicing. Variants that disrupt the donor or acceptor splice site typically lead to a loss of protein function (PMID: 16199547), and loss-of-function variants in GALK1 are known to be pathogenic (PMID: 7670469, 10790206). This variant is present in population databases (rs767790909, gnomAD 0.003%). Disruption of this splice site has been observed in individual(s) with galactokinase deficiency (internal data). In at least one individual the data is consistent with being in trans (on the opposite chromosome) from a pathogenic variant. ClinVar contains an entry for this variant (Variation ID: 1470566). Algorithms developed to predict the effect of sequence changes on RNA splicing suggest that this variant may disrupt the consensus splice site. For these reasons, this variant has been classified as Pathogenic.

Natera, Inc.
Classification: Likely pathogenic for Deficiency of galactokinase. Last evaluated: 2025-03-17. Review status: criteria provided, single submitter. Criteria: Natera Variant Classification Schema (03/2026). Collection method: clinical testing. Allele origin: germline.
Comment: The c.793+1G>T variant in GALK1 is a canonical splice donor site variant predicted to affect pre-mRNA splicing, which may result in an abnormal transcript and altered protein product. This variant is expected to result in nonsense mediated decay, truncation, or a dysfunctional protein product. This variant is rare in the general population with a frequency below the threshold expected for the associated phenotype(s). Given the available evidence, this variant is classified as Likely Pathogenic.

Fulgent Genetics
Classification: Likely pathogenic for Deficiency of galactokinase. Last evaluated: 2024-05-06. Review status: criteria provided, single submitter. Criteria: ACMG Guidelines, 2015. Collection method: clinical testing. Allele origin: germline.

Literature cited by the submitters: PubMed 16199547 (cited by Labcorp Genetics (formerly Invitae), Labcorp); PubMed 7670469 (cited by Labcorp Genetics (formerly Invitae), Labcorp); PubMed 10790206 (cited by Labcorp Genetics (formerly Invitae), Labcorp).